The following is an entry in ClinVar:

NM_001130144.3(LTBP3):c.2722G>C (p.Glu908Gln)

Gene: LTBP3 (latent transforming growth factor beta binding protein 3; minus strand). Cytogenetic location: 11q13.1.
Variant type: single nucleotide variant.
Coding change: c.2722G>C on transcript NM_001130144.3 (MANE Select); coding-DNA position 2722, G replaced by C.
Protein change: p.Glu908Gln; replaces glutamic acid 908 with glutamine.
Molecular consequence: missense variant.
Genome position (GRCh38, 1-based): chr11:65,541,603, C>G on the plus strand (G>C on the coding strand, the complement: LTBP3 is on the minus strand). VCF-style: chr11-65541603-C-G. GRCh37 (hg19) VCF-style: chr11-65309074-C-G.
Other names: c.2371G>C, p.Glu791Gln (NM_001164266.1); c.2722G>C, p.Glu908Gln (NM_021070.4); short protein forms E791Q, E908Q.
Identifiers: ClinVar variation 1795207 (VCV001795207.7), dbSNP rs528432144, ClinGen allele CA224010768.

ClinVar aggregate classification (germline): Uncertain significance. Review status: criteria provided, multiple submitters, no conflicts (2 of 4 stars). 2 submissions from 2 submitters: Uncertain significance (2). Last evaluated 2023-10-17.

Conditions:
Brachyolmia-amelogenesis imperfecta syndrome. Also called: Tooth agenesis, selective, 6; Dental anomalies and short stature; PLATYSPONDYLY WITH AMELOGENESIS IMPERFECTA. Identifiers: Orphanet 2899, MedGen C1832594, MONDO:0011018, OMIM 601216. Disease mechanism: loss of function.
Inborn genetic diseases. Identifiers: MedGen C0950123, MeSH D030342.

Allele frequency attached by ClinVar (database versions not stated): TOPMed 0.00002; gnomAD 0.00003; gnomAD exomes 0.00003.
gnomAD v4.1: 48 of 1,614,058 alleles (0.003%); highest among the groups gnomAD compares: Non-Finnish European, 0.0039%; no homozygotes.

Submissions (2):

Labcorp Genetics (formerly Invitae), Labcorp
Classification: Uncertain significance for Brachyolmia-amelogenesis imperfecta syndrome. Last evaluated: 2023-10-17. Review status: criteria provided, single submitter. Criteria: Invitae Variant Classification Sherloc (09022015). Collection method: clinical testing. Allele origin: germline.
Comment: This sequence change replaces glutamic acid, which is acidic and polar, with glutamine, which is neutral and polar, at codon 908 of the LTBP3 protein (p.Glu908Gln). This variant is present in population databases (rs528432144, gnomAD 0.004%). This variant has not been reported in the literature in individuals affected with LTBP3-related conditions. ClinVar contains an entry for this variant (Variation ID: 1795207). An algorithm developed to predict the effect of missense changes on protein structure and function (PolyPhen-2) suggests that this variant is likely to be disruptive. In summary, the available evidence is currently insufficient to determine the role of this variant in disease. Therefore, it has been classified as a Variant of Uncertain Significance.

Ambry Genetics
Classification: Uncertain significance for Inborn genetic diseases. Last evaluated: 2022-05-30. Review status: criteria provided, single submitter. Criteria: Ambry Variant Classification Scheme 2023. Collection method: clinical testing. Allele origin: germline.
Comment: The p.E908Q variant (also known as c.2722G>C), located in coding exon 19 of the LTBP3 gene, results from a G to C substitution at nucleotide position 2722. The glutamic acid at codon 908 is replaced by glutamine, an amino acid with highly similar properties. This amino acid position is conserved. In addition, this alteration is predicted to be tolerated by in silico analysis. Since supporting evidence is limited at this time, the clinical significance of this alteration remains unclear.